The following is an entry in ClinVar:

NM_003776.4(MRPL40):c.385C>T (p.Arg129Cys)

Gene: MRPL40 (mitochondrial ribosomal protein L40; plus strand). Cytogenetic location: 22q11.21.
Variant type: single nucleotide variant.
Coding change: c.385C>T on transcript NM_003776.4 (MANE Select); coding-DNA position 385, C replaced by T.
Protein change: p.Arg129Cys; replaces arginine 129 with cysteine.
Molecular consequence: missense variant.
Genome position (GRCh38, 1-based): chr22:19,435,726, C>T. VCF-style: chr22-19435726-C-T. GRCh37 (hg19) VCF-style: chr22-19423249-C-T.
Other names: c.253C>T, p.Arg85Cys (NM_001318151.2); short protein forms R129C, R85C.
Identifiers: ClinVar variation 2413671 (VCV002413671.6), dbSNP rs200437315, ClinGen allele CA10100211.

ClinVar aggregate classification (germline): Uncertain significance (1 of 4 stars; one submission).

Allele frequency attached by ClinVar (database versions not stated): gnomAD exomes 0.00003; gnomAD 0.00004; TOPMed 0.00005; ExAC 0.00018; 1000 Genomes Project 0.00020; 1000 Genomes Project 30x 0.00031.
gnomAD v4.1: 57 of 1,614,054 alleles (0.0035%); highest among the groups gnomAD compares: East Asian, 0.062%; no homozygotes.

Submission:

Labcorp Genetics (formerly Invitae), Labcorp
Classification: Uncertain significance. Last evaluated: 2022-05-21. Review status: criteria provided, single submitter. Criteria: Invitae Variant Classification Sherloc (09022015). Collection method: clinical testing. Allele origin: germline.
Comment: In summary, the available evidence is currently insufficient to determine the role of this variant in disease. Therefore, it has been classified as a Variant of Uncertain Significance. Algorithms developed to predict the effect of missense changes on protein structure and function are either unavailable or do not agree on the potential impact of this missense change (SIFT: "Not Available"; PolyPhen-2: "Benign"; Align-GVGD: "Not Available"). This variant has not been reported in the literature in individuals affected with MRPL40-related conditions. This variant is present in population databases (rs200437315, gnomAD 0.2%), and has an allele count higher than expected for a pathogenic variant. This sequence change replaces arginine, which is basic and polar, with cysteine, which is neutral and slightly polar, at codon 129 of the MRPL40 protein (p.Arg129Cys).